The following is an entry in ClinVar:

NM_001903.5(CTNNA1):c.1748-10_1748-9del

Gene: CTNNA1 (catenin alpha 1; plus strand). Cytogenetic location: 5q31.2.
Variant type: Deletion.
Coding change: c.1748-10_1748-9del on transcript NM_001903.5 (MANE Select); 10 bases into the intron before coding-DNA position 1748 through 9 bases into the intron before coding-DNA position 1748, 2 bases deleted (TT; older notation c.1748-10_1748-9delTT).
Molecular consequence: intron variant.
Genome position (GRCh38, 1-based): chr5:138,925,246-138,925,247, TT deleted; deleting any 2 consecutive bases within chr5:138,925,245-138,925,247 gives the same sequence; the c. name uses the placement nearest the transcript's 3' end. VCF-style (leftmost placement, unchanged base first): chr5-138925244-CTT-C. GRCh37 (hg19) VCF-style: chr5-138260933-CTT-C.
Other names: c.1748-10_1748-9delTT (NM_001903.4); c.1748-10_1748-9del (NM_001323982.2, NM_001323984.2, NM_001290307.3 and 2 more transcripts); c.1655-10_1655-9del (NM_001323986.2); c.1379-10_1379-9del (NM_001290310.3); c.1439-10_1439-9del (NM_001290309.3); c.638-10_638-9del (NM_001323996.1, NM_001323993.1, NM_001324005.1 and 17 more transcripts); c.299-10_299-9del (NM_001324007.1, NM_001324009.1, NM_001324006.1 and 2 more transcripts); c.395-10_395-9del (NM_001324013.1, NM_001324012.1); and 1 more.
Identifiers: ClinVar variation 696552 (VCV000696552.13), dbSNP rs779700217, ClinGen allele CA3432029.

ClinVar aggregate classification (germline): Likely benign. Review status: criteria provided, multiple submitters, no conflicts (2 of 4 stars). 3 submissions from 3 submitters: Likely benign (2). 1 of the submissions does not count toward it. Last evaluated 2025-11-15.

Conditions:
CTNNA1-related disorder. Also called: CTNNA1-related condition.

Submissions (3):

Labcorp Genetics (formerly Invitae), Labcorp
Classification: Likely benign. Last evaluated: 2025-11-15. Review status: criteria provided, single submitter. Criteria: Invitae Variant Classification Sherloc (09022015). Collection method: clinical testing. Allele origin: germline.

Blueprint Genetics
Classification: Likely benign. Last evaluated: 2022-11-23. Review status: criteria provided, single submitter. Criteria: ACMG Guidelines, 2015. Collection method: clinical testing. Allele origin: germline.

PreventionGenetics, part of Exact Sciences
Classification: Likely benign for CTNNA1-related condition. Last evaluated: 2022-11-21. Review status: no assertion criteria provided. Collection method: clinical testing. Allele origin: germline. Not counted in ClinVar's aggregate classification.
Comment: This variant is classified as likely benign based on ACMG/AMP sequence variant interpretation guidelines (Richards et al. 2015 PMID: 25741868, with internal and published modifications).